The following is an entry in ClinVar:

ClinVar aggregate classification (germline): Uncertain significance (1 of 4 stars; one submission).

Submission:

GeneDx
Classification: Uncertain significance. Last evaluated: 2026-02-09. Review status: criteria provided, single submitter. Criteria: GeneDx Variant Classification Process June 2021. Collection method: clinical testing. Allele origin: germline.
Comment: In silico analysis supports that this missense variant has a deleterious effect on protein structure/function; Has not been previously published as pathogenic or benign to our knowledge

NM_020436.5(SALL4):c.1032C>G (p.Phe344Leu)

Gene: SALL4 (spalt like transcription factor 4; minus strand). Cytogenetic location: 20q13.2.
Variant type: single nucleotide variant.
Coding change: c.1032C>G on transcript NM_020436.5 (MANE Select); coding-DNA position 1032, C replaced by G.
Protein change: p.Phe344Leu; replaces phenylalanine 344 with leucine.
Molecular consequence: missense variant.
Genome position (GRCh38, 1-based): chr20:51,791,451, G>C on the plus strand (C>G on the coding strand, the complement: SALL4 is on the minus strand). VCF-style: chr20-51791451-G-C. GRCh37 (hg19) VCF-style: chr20-50407990-G-C.
Other names: c.1032C>G, p.Phe344Leu (NM_001318031.2); short protein forms F344L.
Identifiers: ClinVar variation 4976467 (VCV004976467.1).